The following is an entry in ClinVar:

ClinVar aggregate classification (germline): Benign/Likely benign. Review status: criteria provided, multiple submitters, no conflicts (2 of 4 stars). 3 submissions from 3 submitters: Benign (1); Likely benign (2). Last evaluated 2025-12-16.

Conditions:
Hereditary cancer-predisposing syndrome. Also called: Hereditary Cancer Syndrome; Neoplastic Syndromes, Hereditary; Tumor predisposition; Hereditary neoplastic syndrome. Identifiers: Orphanet 140162, MedGen C0027672, MeSH D009386, MONDO:0015356.
BAP1-related tumor predisposition syndrome (TPDS1). Also called: Tumor susceptibility linked to germline BAP1 mutations; BAP1 tumor predisposition syndrome; COMMON Syndrome; TUMOR PREDISPOSITION SYNDROME 1. Identifiers: Orphanet 289539, MedGen C3280492, MONDO:0013692, OMIM 614327.

Submissions (3):

Labcorp Genetics (formerly Invitae), Labcorp
Classification: Likely benign for BAP1-related tumor predisposition syndrome. Last evaluated: 2025-12-16. Review status: criteria provided, single submitter. Criteria: Invitae Variant Classification Sherloc (09022015). Collection method: clinical testing. Allele origin: germline.

Myriad Genetics, Inc.
Classification: Benign for BAP1-related tumor predisposition syndrome. Last evaluated: 2024-07-11. Review status: criteria provided, single submitter. Criteria: Myriad Autosomal Dominant, Autosomal Recessive and X-Linked Classification Criteria (2023). Collection method: clinical testing. Allele origin: unknown.
Comment: This variant is considered benign. This variant is intronic and is not expected to impact mRNA splicing. This variant has been observed at a population frequency that is significantly greater than expected given the associated disease prevalence and penetrance.

Color Diagnostics, LLC DBA Color Health
Classification: Likely benign for Hereditary cancer-predisposing syndrome. Last evaluated: 2016-06-30. Review status: criteria provided, single submitter. Criteria: ACMG Guidelines, 2015. Collection method: clinical testing. Allele origin: germline.

NM_004656.4(BAP1):c.255+9del

Gene: BAP1 (BRCA1 associated deubiquitinase 1; minus strand). Cytogenetic location: 3p21.1.
Variant type: Deletion.
Coding change: c.255+9del on transcript NM_004656.4 (MANE Select); 9 bases into the intron after coding-DNA position 255, one base deleted (G; older notation c.255+9delG).
Molecular consequence: intron variant.
Genome position (GRCh38, 1-based): chr3:52,408,465, C deleted on the plus strand (G on the coding strand, the reverse complement: BAP1 is on the minus strand); the first of 2 consecutive C bases (chr3:52,408,465-52,408,466); deleting either gives the same sequence. VCF-style (leftmost placement, unchanged base first): chr3-52408464-TC-T. GRCh37 (hg19) VCF-style: chr3-52442480-TC-T.
Other names: c.255+9del (NM_004656.3).
Identifiers: ClinVar variation 490851 (VCV000490851.14), dbSNP rs769974242, ClinGen allele CA2437151.